The following is an entry in ClinVar:

ClinVar aggregate classification (germline): Uncertain significance (1 of 4 stars; one submission).

Conditions:
Pigmentary pallidal degeneration (NBIA1). Also called: Neurodegeneration with brain iron accumulation 1; PKAN NEUROAXONAL DYSTROPHY, JUVENILE-ONSET; HARP SYNDROME; Pantothenate Kinase-Associated Neurodegeneration; Neuroaxonal dystrophy, late infantile; Hallervorden-Spatz disease. Identifiers: Orphanet 157850, MedGen C0018523, MONDO:0009319, OMIM 234200.

gnomAD v4.1: 2 of 1,612,808 alleles (0.00012%); highest among the groups gnomAD compares: Admixed American, 0.0033%; no homozygotes.

Submission:

Labcorp Genetics (formerly Invitae), Labcorp
Classification: Uncertain significance for Pigmentary pallidal degeneration. Last evaluated: 2021-08-31. Review status: criteria provided, single submitter. Criteria: Invitae Variant Classification Sherloc (09022015). Collection method: clinical testing. Allele origin: germline.
Comment: This sequence change replaces threonine with asparagine at codon 38 of the PANK2 protein (p.Thr38Asn). The threonine residue is weakly conserved and there is a small physicochemical difference between threonine and asparagine. This variant is not present in population databases (ExAC no frequency). This variant has not been reported in the literature in individuals affected with PANK2-related conditions. Algorithms developed to predict the effect of missense changes on protein structure and function output the following: SIFT: "Tolerated"; PolyPhen-2: "Benign"; Align-GVGD: "Class C0". The asparagine amino acid residue is found in multiple mammalian species, which suggests that this missense change does not adversely affect protein function. In summary, the available evidence is currently insufficient to determine the role of this variant in disease. Therefore, it has been classified as a Variant of Uncertain Significance.

NM_153638.4(PANK2):c.113C>A (p.Thr38Asn)

Gene: PANK2 (pantothenate kinase 2; plus strand). Cytogenetic location: 20p13.
Variant type: single nucleotide variant.
Coding change: c.113C>A on transcript NM_153638.4; coding-DNA position 113, C replaced by A.
Protein change: p.Thr38Asn; replaces threonine 38 with asparagine.
Molecular consequence: missense variant. On other transcripts: intron variant (1).
Genome position (GRCh38, 1-based): chr20:3,889,213, C>A. VCF-style: chr20-3889213-C-A. GRCh37 (hg19) VCF-style: chr20-3869860-C-A.
Other names: c.113C>A, p.Thr38Asn (NM_001324192.1); c.-246+309C>A (NM_024960.6); short protein forms T38N.
Identifiers: ClinVar variation 1367449 (VCV001367449.6), dbSNP rs1426406978, ClinGen allele CA408138909.